The following is an entry in ClinVar:

ClinVar aggregate classification (germline): Uncertain significance (1 of 4 stars; one submission).

Allele frequency attached by ClinVar (database versions not stated): ExAC 0.00001; gnomAD exomes 0.00002; TOPMed 0.00003; gnomAD 0.00005; ESP Exome Variant Server 0.00008.
gnomAD v4.1: 35 of 1,614,114 alleles (0.0022%); highest among the groups gnomAD compares: Admixed American, 0.0067%; no homozygotes.

Submission:

Ambry Genetics
Classification: Uncertain significance. Last evaluated: 2023-01-03. Review status: criteria provided, single submitter. Criteria: Ambry Variant Classification Scheme 2023. Collection method: clinical testing. Allele origin: germline.
Comment: The p.D250G variant (also known as c.749A>G), located in coding exon 3 of the ALPK2 gene, results from an A to G substitution at nucleotide position 749. The aspartic acid at codon 250 is replaced by glycine, an amino acid with similar properties. This amino acid position is conserved. In addition, this alteration is predicted to be tolerated by in silico analysis. Since supporting evidence is limited at this time, the clinical significance of this alteration remains unclear.

NM_052947.4(ALPK2):c.749A>G (p.Asp250Gly)

Genes: ALPK2 (alpha kinase 2; minus strand), LOC114803473 (ALPK2 eExon liver enhancer; plus strand). Cytogenetic location: 18q21.31.
Variant type: single nucleotide variant.
Coding change: c.749A>G on transcript NM_052947.4 (MANE Select); coding-DNA position 749, A replaced by G.
Protein change: p.Asp250Gly; replaces aspartic acid 250 with glycine.
Molecular consequence: missense variant.
Genome position (GRCh38, 1-based): chr18:58,580,027, T>C on the plus strand (A>G on the coding strand, the complement: ALPK2 is on the minus strand). VCF-style: chr18-58580027-T-C. GRCh37 (hg19) VCF-style: chr18-56247259-T-C.
Other names: short protein forms D250G.
Identifiers: ClinVar variation 2450567 (VCV002450567.2), dbSNP rs201475340, ClinGen allele CA8977391.